The following is an entry in ClinVar:

ClinVar aggregate classification (germline): Benign/Likely benign. Review status: criteria provided, multiple submitters, no conflicts (2 of 4 stars). 11 submissions from 11 submitters: Benign (5); Likely benign (4). 2 of the submissions do not count toward it. Last evaluated 2026-09-01.

Conditions:
Autosomal recessive nonsyndromic hearing loss 1A (DFNB1A). Also called: GJB2-Related Autosomal Recessive Nonsyndromic Hearing Loss; Deafness, autosomal recessive 1A; Nonsyndromic Hearing Loss and Deafness, DFNB1; GJB6-Related DFNB 1 Nonsyndromic Hearing Loss and Deafness; Connexin 26 deafness; Deafness nonsyndromic, Connexin 26 linked. Identifiers: Orphanet 90636, MedGen C2673759, MONDO:0009076, OMIM 220290.
Hidrotic ectodermal dysplasia syndrome (GJB6). Also called: ECTODERMAL DYSPLASIA 2, CLOUSTON TYPE; Hidrotic ectodermal dysplasia; Ectodermal dysplasia 2, hidrotic; Autosomal dominant hidrotic ectodermal dysplasia; Clouston syndrome; Clouston's hidrotic ectodermal dysplasia. Identifiers: Orphanet 189, MedGen C0162361, MONDO:0007510, OMIM 129500.
Autosomal dominant nonsyndromic hearing loss 3B. Identifiers: Orphanet 90635, MedGen C2675237, MONDO:0012975, OMIM 612643.
Autosomal recessive nonsyndromic hearing loss 1B. Also called: DEAFNESS, AUTOSOMAL RECESSIVE 1B. Identifiers: Orphanet 90636, MedGen C2675235, MONDO:0012977, OMIM 612645.

Allele frequency attached by ClinVar (database versions not stated): ExAC 0.00466; TOPMed 0.00397; 1000 Genomes Project 30x 0.00203; gnomAD 0.00452 and 0.00431; 1000 Genomes Project 0.00180; ESP Exome Variant Server 0.00431; gnomAD exomes 0.00457 and 0.00722.
gnomAD v4.1: 11,052 of 1,614,150 alleles (0.68%); highest among the groups gnomAD compares: Non-Finnish European, 0.86%; 54 homozygotes.

Submissions (11):

CeGaT Center for Human Genetics Tuebingen
Classification: Likely benign. Last evaluated: 2026-09-01. Review status: criteria provided, single submitter. Criteria: CeGaT Center For Human Genetics Tuebingen Variant Classification Criteria Version 2. Collection method: clinical testing. Allele origin: germline. Affected: yes. Observed: 19 variant alleles.
Comment: GJB6: BS2

Labcorp Genetics (formerly Invitae), Labcorp
Classification: Benign for Autosomal dominant nonsyndromic hearing loss 3B; Hidrotic ectodermal dysplasia syndrome; Autosomal recessive nonsyndromic hearing loss 1B; Autosomal recessive nonsyndromic hearing loss 1A. Last evaluated: 2026-01-26. Review status: criteria provided, single submitter. Criteria: Invitae Variant Classification Sherloc (09022015). Collection method: clinical testing. Allele origin: germline.

Blueprint Genetics
Classification: Likely benign. Last evaluated: 2024-11-26. Review status: criteria provided, single submitter. Criteria: ACMG Guidelines, 2015. Collection method: clinical testing. Allele origin: germline.

ARUP Laboratories, Molecular Genetics and Genomics, ARUP Laboratories
Classification: Benign. Last evaluated: 2023-10-23. Review status: criteria provided, single submitter. Criteria: ARUP Molecular Germline Variant Investigation Process 2024. Collection method: clinical testing. Allele origin: germline.

Illumina Laboratory Services, Illumina
Classification: Likely benign for Hidrotic ectodermal dysplasia syndrome. Last evaluated: 2017-04-27. Review status: criteria provided, single submitter. Criteria: ICSL Variant Classification Criteria 13 December 2019. Collection method: clinical testing. Allele origin: germline.
Comment: This variant was observed as part of a predisposition screen in an ostensibly healthy population. A literature search was performed for the gene, cDNA change, and amino acid change (where applicable). No publications were found based on this search. Allele frequency data from public databases allowed determination this variant is unlikely to cause disease. Therefore, this variant is classified as likely benign.

Eurofins Ntd Llc (ga)
Classification: Benign. Last evaluated: 2015-03-20. Review status: criteria provided, single submitter. Criteria: EGL Classification Definitions 2015. Collection method: clinical testing. Allele origin: germline. Observed: 6 variant alleles, 5 heterozygotes.

GeneDx
Classification: Benign. Last evaluated: 2015-03-03. Review status: criteria provided, single submitter. Criteria: GeneDx Variant Classification Process June 2021. Collection method: clinical testing. Allele origin: germline. Affected: yes.

Laboratory for Molecular Medicine, Mass General Brigham Personalized Medicine
Classification: Benign. Last evaluated: 2011-11-03. Review status: criteria provided, single submitter. Criteria: LMM Criteria. Collection method: clinical testing. Allele origin: germline. Observed: 18 variant alleles.
Comment: Ser199Thr in exon 3 of the GJB6 gene: This variant is not expected to have clini cal significance because it was found at equal frequency in individuals with hea ring loss and controls (Kelley 1999, Libby 2008, Carlsson 2007, rs111033338).

Breakthrough Genomics
Classification: Likely benign. Review status: criteria provided, single submitter. Criteria: ACMG Guidelines, 2015. Collection method: not provided. Allele origin: germline. Inheritance: Autosomal recessive inheritance. Affected: yes.

Diagnostic Laboratory, Department of Genetics, University Medical Center Groningen
Classification: Likely benign. Review status: no assertion criteria provided. Collection method: clinical testing. Allele origin: germline. Affected: yes. Study: VKGL Data-share Consensus. Not counted in ClinVar's aggregate classification.

Joint Genome Diagnostic Labs from Nijmegen and Maastricht, Radboudumc and MUMC+
Classification: Likely benign. Review status: no assertion criteria provided. Collection method: clinical testing. Allele origin: germline. Affected: yes. Study: VKGL Data-share Consensus. Not counted in ClinVar's aggregate classification.

Literature cited by the submitters: PubMed 10610709 (cited by Laboratory for Molecular Medicine, Mass General Brigham Personalized Medicine).

NM_001110219.3(GJB6):c.595T>A (p.Ser199Thr)

Gene: GJB6 (gap junction protein beta 6; minus strand). Cytogenetic location: 13q12.11.
Variant type: single nucleotide variant.
Coding change: c.595T>A on transcript NM_001110219.3 (MANE Select); coding-DNA position 595, T replaced by A.
Protein change: p.Ser199Thr; replaces serine 199 with threonine.
Molecular consequence: missense variant.
Genome position (GRCh38, 1-based): chr13:20,222,886, A>T on the plus strand (T>A on the coding strand, the complement: GJB6 is on the minus strand). VCF-style: chr13-20222886-A-T. GRCh37 (hg19) VCF-style: chr13-20797025-A-T.
Other names: c.595T>A, p.Ser199Thr (NM_001110220.3, NM_001110221.3, NM_001370090.1 and 3 more transcripts); short protein forms S199T.
Identifiers: ClinVar variation 45504 (VCV000045504.76), dbSNP rs111033338, ClinGen allele CA136463.
Genomic context (GRCh38, chr13:20,222,886, plus strand): 5'-AACACACTTTCAGCAGCAGGTAGCACAACTCTGCCACGTTAAGCAGCATGCAAATCACAG[A>T]CGCAGAAATCATAAAAATGGTAAACACGGTCTTCTCTGTTGGCCTAGAAATAAAGCAGTC-3'
Protein context (NP_001103689.1, residues 189-209): TVFTIFMISA[Ser199Thr]VICMLLNVAE